The following is an entry in ClinVar:

NM_000229.2(LCAT):c.796G>A (p.Glu266Lys)

Gene: LCAT (lecithin-cholesterol acyltransferase; minus strand). Cytogenetic location: 16q22.1.
Variant type: single nucleotide variant.
Coding change: c.796G>A on transcript NM_000229.2 (MANE Select); coding-DNA position 796, G replaced by A.
Protein change: p.Glu266Lys; replaces glutamic acid 266 with lysine.
Molecular consequence: missense variant.
Genome position (GRCh38, 1-based): chr16:67,940,431, C>T on the plus strand (G>A on the coding strand, the complement: LCAT is on the minus strand). VCF-style: chr16-67940431-C-T. GRCh37 (hg19) VCF-style: chr16-67974334-C-T.
Other names: short protein forms E266K.
Identifiers: ClinVar variation 2105615 (VCV002105615.4), dbSNP rs2544403136, ClinGen allele CA396376339.

ClinVar aggregate classification (germline): Uncertain significance (1 of 4 stars; one submission).

Submission:

Labcorp Genetics (formerly Invitae), Labcorp
Classification: Uncertain significance. Last evaluated: 2022-03-02. Review status: criteria provided, single submitter. Criteria: Invitae Variant Classification Sherloc (09022015). Collection method: clinical testing. Allele origin: germline.
Comment: Algorithms developed to predict the effect of missense changes on protein structure and function output the following: SIFT: "Tolerated"; PolyPhen-2: "Benign"; Align-GVGD: "Class C0". The lysine amino acid residue is found in multiple mammalian species, which suggests that this missense change does not adversely affect protein function. This sequence change replaces glutamic acid, which is acidic and polar, with lysine, which is basic and polar, at codon 266 of the LCAT protein (p.Glu266Lys). This variant is not present in population databases (gnomAD no frequency). This variant has not been reported in the literature in individuals affected with LCAT-related conditions. In summary, the available evidence is currently insufficient to determine the role of this variant in disease. Therefore, it has been classified as a Variant of Uncertain Significance.